The following is an entry in ClinVar:

ClinVar aggregate classification (germline): Likely pathogenic (0 of 4 stars; one submission).

Conditions:
ATP1A2-related disorder. Also called: ATP1A2-related condition; ATP1A2-RELATED DISORDERS.

Submission:

PreventionGenetics, part of Exact Sciences
Classification: Likely pathogenic for ATP1A2-related condition. Last evaluated: 2024-01-31. Review status: no assertion criteria provided. Collection method: clinical testing. Allele origin: germline.
Comment: The ATP1A2 c.2285-1G>A variant is predicted to disrupt the AG splice acceptor site and interfere with normal splicing. To our knowledge, this variant has not been reported in the literature or in a large population database, indicating this variant is rare. A different variant affecting the same canonical splice site (NM_000702.3: c.2285-2A>C) was reported in an individual with late onset episodic ataxia (Supplementary Table 2, Galatolo et al. 2021 PubMedID: 34445196). Variants that disrupt the consensus splice donor site in ATP1A2 are expected to be pathogenic for autosomal recessive fetal akinesia, respiratory insufficiency, microcephaly, polymicrogyria, and dysmorphic facies (Monteiro et al. 2020. PubMed ID: 30690204; OMIM# 619602). Protein truncating variants in ATP1A2 have also been reported to be associated with autosomal dominant hemiplegic migraine, although penetrance has been reported to be incomplete in some cases (Human Gene Mutation Databases, HGMD; Riant et al. 2005. PubMed ID: 16088919; de Vries et al. 2007. PubMed ID: 18056581; Jen et al. 2015. PubMed ID: 20301562; OMIM# 182340). This variant is interpreted as likely pathogenic.

NM_000702.4(ATP1A2):c.2285-1G>A

Gene: ATP1A2 (ATPase Na+/K+ transporting subunit alpha 2; plus strand). Cytogenetic location: 1q23.2.
Variant type: single nucleotide variant.
Coding change: c.2285-1G>A on transcript NM_000702.4 (MANE Select); the canonical splice acceptor site of the intron before coding-DNA position 2285, G replaced by A.
Molecular consequence: splice acceptor variant.
Genome position (GRCh38, 1-based): chr1:160,135,838, G>A. VCF-style: chr1-160135838-G-A. GRCh37 (hg19) VCF-style: chr1-160105628-G-A.
Identifiers: ClinVar variation 3033419 (VCV003033419.2), dbSNP rs2524888314, ClinGen allele CA343249839.
Genomic context (GRCh38, chr1:160,135,838, plus strand): 5'-GGGGCTGGGGGTGGGGAAGAGTCCCTCTGACCTCCCTGATGCCCTCAGAATCTCCCCACA[G>A]GCCGCCTGATCTTTGACAACTTGAAGAAATCCATCGCCTACACCCTGACCAGCAACATCC-3'